The following is an entry in ClinVar:

NM_001110556.2(FLNA):c.7051G>C (p.Ala2351Pro)

Gene: FLNA (filamin A; minus strand). Cytogenetic location: Xq28.
Variant type: single nucleotide variant.
Coding change: c.7051G>C on transcript NM_001110556.2 (MANE Select); coding-DNA position 7051, G replaced by C.
Protein change: p.Ala2351Pro; replaces alanine 2351 with proline.
Molecular consequence: missense variant.
Genome position (GRCh38, 1-based): chrX:154,351,014, C>G on the plus strand (G>C on the coding strand, the complement: FLNA is on the minus strand). VCF-style: chrX-154351014-C-G. GRCh37 (hg19) VCF-style: chrX-153579382-C-G.
Other names: c.7027G>C, p.Ala2343Pro (NM_001456.4); short protein forms A2343P, A2351P.
Identifiers: ClinVar variation 1392421 (VCV001392421.6), dbSNP rs1557175653, ClinGen allele CA415185238.

ClinVar aggregate classification (germline): Uncertain significance (1 of 4 stars; one submission).

Conditions:
Heterotopia, periventricular, X-linked dominant (PVNH1). Also called: PERIVENTRICULAR NODULAR HETEROTOPIA 4; HETEROTOPIA, PERIVENTRICULAR, 1; PERIVENTRICULAR NODULAR HETEROTOPIA 1; X-linked periventricular heterotopia. Identifiers: Orphanet 2149, Orphanet 82004, MedGen C1848213, MONDO:0010233, OMIM 300049.
Melnick-Needles syndrome (MNS). Also called: MELNICK-NEEDLES OSTEODYSPLASTY; OSTEODYSPLASTY OF MELNICK AND NEEDLES; Melnick-Needles Syndrome (FLNA-MNS). Identifiers: Orphanet 2484, MedGen C0025237, MONDO:0010650, OMIM 309350.
Frontometaphyseal dysplasia (FMD1). Identifiers: Orphanet 1826, MedGen C0265293, MONDO:0015942.
Oto-palato-digital syndrome, type II (OPD2). Also called: FACIOPALATOOSSEOUS SYNDROME; OPD II SYNDROME; Otopalatodigital Syndrome, Type II; Otopalatodigital Syndrome Type 2 (FLNA-OPD2). Identifiers: Orphanet 669, Orphanet 90652, MedGen C1844696, MONDO:0010571, OMIM 304120.

Submission:

Labcorp Genetics (formerly Invitae), Labcorp
Classification: Uncertain significance for Oto-palato-digital syndrome, type II; Heterotopia, periventricular, X-linked dominant; Frontometaphyseal dysplasia; Melnick-Needles syndrome. Last evaluated: 2022-10-05. Review status: criteria provided, single submitter. Criteria: Invitae Variant Classification Sherloc (09022015). Collection method: clinical testing. Allele origin: germline.
Comment: In summary, the available evidence is currently insufficient to determine the role of this variant in disease. Therefore, it has been classified as a Variant of Uncertain Significance. Algorithms developed to predict the effect of sequence changes on RNA splicing suggest that this variant may create or strengthen a splice site. Advanced modeling of protein sequence and biophysical properties (such as structural, functional, and spatial information, amino acid conservation, physicochemical variation, residue mobility, and thermodynamic stability) performed at Invitae indicates that this missense variant is not expected to disrupt FLNA protein function. ClinVar contains an entry for this variant (Variation ID: 1392421). This variant has not been reported in the literature in individuals affected with FLNA-related conditions. This variant is not present in population databases (gnomAD no frequency). This sequence change replaces alanine, which is neutral and non-polar, with proline, which is neutral and non-polar, at codon 2343 of the FLNA protein (p.Ala2343Pro).